The following is an entry in ClinVar:

ClinVar aggregate classification (germline): Uncertain significance (1 of 4 stars; one submission).

Conditions:
Idiopathic Pulmonary Fibrosis. Also called: Idiopathic fibrosing alveolitis, chronic form; idiopathic fibrosing alveolitis. Identifiers: Orphanet 2032, MedGen C1800706, MeSH D054990, MONDO:0800504.
Dyskeratosis congenita, autosomal dominant 2. Identifiers: MedGen C3151443, MONDO:0013521, OMIM 613989.

Submission:

Labcorp Genetics (formerly Invitae), Labcorp
Classification: Uncertain significance for Dyskeratosis congenita, autosomal dominant 2; Idiopathic Pulmonary Fibrosis. Last evaluated: 2022-03-27. Review status: criteria provided, single submitter. Criteria: Invitae Variant Classification Sherloc (09022015). Collection method: clinical testing. Allele origin: germline.
Comment: In summary, the available evidence is currently insufficient to determine the role of this variant in disease. Therefore, it has been classified as a Variant of Uncertain Significance. Algorithms developed to predict the effect of missense changes on protein structure and function are either unavailable or do not agree on the potential impact of this missense change (SIFT: "Tolerated"; PolyPhen-2: "Probably Damaging"; Align-GVGD: "Class C15"). This variant has not been reported in the literature in individuals affected with TERT-related conditions. This variant is not present in population databases (gnomAD no frequency). This sequence change replaces lysine, which is basic and polar, with asparagine, which is neutral and polar, at codon 502 of the TERT protein (p.Lys502Asn).

NM_198253.3(TERT):c.1506G>C (p.Lys502Asn)

Gene: TERT (telomerase reverse transcriptase; minus strand). Cytogenetic location: 5p15.33.
Variant type: single nucleotide variant.
Coding change: c.1506G>C on transcript NM_198253.3 (MANE Select); coding-DNA position 1506, G replaced by C.
Protein change: p.Lys502Asn; replaces lysine 502 with asparagine.
Molecular consequence: missense variant. On other transcripts: non-coding transcript variant (2).
Genome position (GRCh38, 1-based): chr5:1,293,380, C>G on the plus strand (G>C on the coding strand, the complement: TERT is on the minus strand). VCF-style: chr5-1293380-C-G. GRCh37 (hg19) VCF-style: chr5-1293495-C-G.
Other names: c.1506G>C, p.Lys502Asn (NM_001193376.3, NM_003219.1); short protein forms K502N.
Identifiers: ClinVar variation 2102176 (VCV002102176.4), dbSNP rs1751115477, ClinGen allele CA359085270.